The following is an entry in ClinVar:

NM_080680.3(COL11A2):c.2252G>A (p.Gly751Asp)

Gene: COL11A2 (collagen type XI alpha 2 chain; minus strand). Cytogenetic location: 6p21.32.
Variant type: single nucleotide variant.
Coding change: c.2252G>A on transcript NM_080680.3 (MANE Select); coding-DNA position 2252, G replaced by A.
Protein change: p.Gly751Asp; replaces glycine 751 with aspartic acid.
Molecular consequence: missense variant.
Genome position (GRCh38, 1-based): chr6:33,176,032, C>T on the plus strand (G>A on the coding strand, the complement: COL11A2 is on the minus strand). VCF-style: chr6-33176032-C-T. GRCh37 (hg19) VCF-style: chr6-33143809-C-T.
Other names: c.1931G>A, p.Gly644Asp (NM_080679.3); c.1994G>A, p.Gly665Asp (NM_080681.3); short protein forms G751D, G644D, G665D.
Identifiers: ClinVar variation 1521192 (VCV001521192.9), dbSNP rs2150567279, ClinGen allele CA363648375.
Genomic context (GRCh38, chr6:33,176,032, plus strand): 5'-TCAGTAGAACACGGAATTGGGGCCAGTGTGGGGTCTCTACTCACCCTGTCACCTTTCACG[C>T]CTATGTCACCTTTGAACCCAGGAAAGCCATCCTCACCCTGAGAAAGATAGAGGTGAGAGG-3'
Protein context (NP_542411.2, residues 741-761): DGFPGFKGDI[Gly751Asp]VKGDRGEVGV

ClinVar aggregate classification (germline): Uncertain significance. Review status: criteria provided, multiple submitters, no conflicts (2 of 4 stars). 2 submissions from 2 submitters: Uncertain significance (2). Last evaluated 2022-05-13.

gnomAD v4.1: 1 of 1,613,002 alleles (0.000062%); highest among the groups gnomAD compares: Non-Finnish European, 0.000085%; no homozygotes.

Submissions (2):

GeneDx
Classification: Uncertain significance. Last evaluated: 2022-05-13. Review status: criteria provided, single submitter. Criteria: GeneDx Variant Classification Process June 2021. Collection method: clinical testing. Allele origin: germline. Affected: yes.
Comment: Not observed at significant frequency in large population cohorts (gnomAD); In silico analysis supports that this missense variant has a deleterious effect on protein structure/function; Has not been previously published as pathogenic or benign to our knowledge

Labcorp Genetics (formerly Invitae), Labcorp
Classification: Uncertain significance. Last evaluated: 2021-05-19. Review status: criteria provided, single submitter. Criteria: Invitae Variant Classification Sherloc (09022015). Collection method: clinical testing. Allele origin: germline.
Comment: In summary, the available evidence is currently insufficient to determine the role of this variant in disease. Therefore, it has been classified as a Variant of Uncertain Significance. Advanced modeling of protein sequence and biophysical properties (such as structural, functional, and spatial information, amino acid conservation, physicochemical variation, residue mobility, and thermodynamic stability) performed at Invitae indicates that this missense variant is expected to disrupt COL11A2 protein function. This variant has not been reported in the literature in individuals with COL11A2-related conditions. This variant is not present in population databases (ExAC no frequency). This sequence change replaces glycine with aspartic acid at codon 751 of the COL11A2 protein (p.Gly751Asp). The glycine residue is highly conserved and there is a moderate physicochemical difference between glycine and aspartic acid.